The following is an entry in ClinVar:

ClinVar aggregate classification (germline): Likely benign. Review status: criteria provided, multiple submitters, no conflicts (2 of 4 stars). 3 submissions from 3 submitters: Likely benign (3). Last evaluated 2026-07-01.

Conditions:
Inborn genetic diseases. Identifiers: MedGen C0950123, MeSH D030342.

gnomAD v4.1: 32 of 1,614,036 alleles (0.002%); highest among the groups gnomAD compares: African/African-American, 0.0027%; no homozygotes.

Submissions (3):

CeGaT Center for Human Genetics Tuebingen
Classification: Likely benign. Last evaluated: 2026-07-01. Review status: criteria provided, single submitter. Criteria: CeGaT Center For Human Genetics Tuebingen Variant Classification Criteria Version 2. Collection method: clinical testing. Allele origin: germline. Affected: yes. Observed: 1 variant allele.
Comment: ASXL1: BP4, BP7

Labcorp Genetics (formerly Invitae), Labcorp
Classification: Likely benign. Last evaluated: 2025-05-15. Review status: criteria provided, single submitter. Criteria: Invitae Variant Classification Sherloc (09022015). Collection method: clinical testing. Allele origin: germline.

Ambry Genetics
Classification: Likely benign for Inborn genetic diseases. Last evaluated: 2024-12-12. Review status: criteria provided, single submitter. Criteria: Ambry Variant Classification Scheme 2023. Collection method: clinical testing. Allele origin: germline.

NM_015338.6(ASXL1):c.189T>C (p.Asn63=)

Gene: ASXL1 (ASXL transcriptional regulator 1; plus strand). Cytogenetic location: 20q11.21.
Variant type: single nucleotide variant.
Coding change: c.189T>C on transcript NM_015338.6 (MANE Select); coding-DNA position 189, T replaced by C.
Protein change: p.Asn63=; no amino-acid change (asparagine 63 retained).
Molecular consequence: synonymous variant.
Genome position (GRCh38, 1-based): chr20:32,369,060, T>C. VCF-style: chr20-32369060-T-C. GRCh37 (hg19) VCF-style: chr20-30956863-T-C.
Other names: c.159T>C, p.Asn53= (NM_001363734.1); c.189T>C, p.Asn63= (NM_001164603.1).
Identifiers: ClinVar variation 3791185 (VCV003791185.3).